The following is an entry in ClinVar:

ClinVar aggregate classification (germline): Uncertain significance (1 of 4 stars; one submission).

Conditions:
Periodic fever-infantile enterocolitis-autoinflammatory syndrome. Also called: Autoinflammation with infantile enterocolitis. Identifiers: Orphanet 436166, MedGen C4015067, MONDO:0014472, OMIM 616050.
Familial cold autoinflammatory syndrome 4 (FCAS4). Identifiers: Orphanet 47045, Orphanet 576349, MedGen C4015276, MONDO:0014498, OMIM 616115.

Allele frequency attached by ClinVar (database versions not stated): gnomAD exomes 0.00001; ExAC 0.00003.
gnomAD v4.1: 9 of 1,612,708 alleles (0.00056%); highest among the groups gnomAD compares: South Asian, 0.0033%; no homozygotes.

Submission:

Labcorp Genetics (formerly Invitae), Labcorp
Classification: Uncertain significance for Periodic fever-infantile enterocolitis-autoinflammatory syndrome; Familial cold autoinflammatory syndrome 4. Last evaluated: 2025-07-07. Review status: criteria provided, single submitter. Criteria: Invitae Variant Classification Sherloc (09022015). Collection method: clinical testing. Allele origin: germline.
Comment: This sequence change replaces aspartic acid, which is acidic and polar, with asparagine, which is neutral and polar, at codon 873 of the NLRC4 protein (p.Asp873Asn). This variant is present in population databases (rs775961328, gnomAD 0.007%). This variant has not been reported in the literature in individuals affected with NLRC4-related conditions. ClinVar contains an entry for this variant (Variation ID: 2944790). An algorithm developed to predict the effect of missense changes on protein structure and function (PolyPhen-2) suggests that this variant is likely to be tolerated. In summary, the available evidence is currently insufficient to determine the role of this variant in disease. Therefore, it has been classified as a Variant of Uncertain Significance.

NM_001199138.2(NLRC4):c.2617G>A (p.Asp873Asn)

Gene: NLRC4 (NLR family CARD domain containing 4; minus strand). Cytogenetic location: 2p22.3.
Variant type: single nucleotide variant.
Coding change: c.2617G>A on transcript NM_001199138.2 (MANE Select); coding-DNA position 2617, G replaced by A.
Protein change: p.Asp873Asn; replaces aspartic acid 873 with asparagine.
Molecular consequence: missense variant.
Genome position (GRCh38, 1-based): chr2:32,235,566, C>T on the plus strand (G>A on the coding strand, the complement: NLRC4 is on the minus strand). VCF-style: chr2-32235566-C-T. GRCh37 (hg19) VCF-style: chr2-32460635-C-T.
Other names: c.2617G>A, p.Asp873Asn (NM_001199139.2, NM_021209.5); c.622G>A, p.Asp208Asn (NM_001302504.2); short protein forms D208N, D873N.
Identifiers: ClinVar variation 2944790 (VCV002944790.3), dbSNP rs775961328, ClinGen allele CA1601745.